The following is an entry in ClinVar:

ClinVar aggregate classification (germline): Pathogenic (1 of 4 stars; one submission).

Conditions:
Neurodevelopmental disorder with speech impairment and dysmorphic facies. Identifiers: MedGen C5436699, MONDO:0033630, OMIM 619056.

Submission:

Clinical Genetics Laboratory, University Hospital Schleswig-Holstein
Classification: Pathogenic for Neurodevelopmental disorder with speech impairment and dysmorphic facies. Last evaluated: 2025-11-11. Review status: criteria provided, single submitter. Criteria: ACMG Guidelines, 2015. Collection method: clinical testing. Allele origin: de novo. Affected: yes. Observed: 1 heterozygote.
Comment: ACMG criteria applied: PM2, PVS1, PS2_Moderate

NM_014712.3(SETD1A):c.2204_2205del (p.Gln735fs)

Gene: SETD1A (SET domain containing 1A, histone lysine methyltransferase; plus strand). Cytogenetic location: 16p11.2.
Variant type: Deletion.
Coding change: c.2204_2205del on transcript NM_014712.3 (MANE Select); coding-DNA positions 2204 to 2205, 2 bases deleted (AG; older notation c.2204_2205delAG).
Protein change: p.Gln735fs; shifts the reading frame from glutamine 735.
Molecular consequence: frameshift variant.
Genome position (GRCh38, 1-based): chr16:30,966,085-30,966,086, AG deleted. VCF-style (leftmost placement, unchanged base first): chr16-30966084-CAG-C. GRCh37 (hg19) VCF-style: chr16-30977405-CAG-C.
Other names: short protein forms Q735fs.
Identifiers: ClinVar variation 4891273 (VCV004891273.1).
Genomic context (GRCh38, chr16:30,966,084, plus strand): 5'-TTCCTCCCGTTTCCACCCCCGCAGGAGGCAGCCTACGGCTTGCCGTATGCTCTATATGCA[CAG>C]GGGCAGGAGGGCAGAGGGGCATACTCACGGGAGGCCTACCACCTGCCCATGCCAATGGCA-3'